The following is an entry in ClinVar:

ClinVar aggregate classification (germline): Uncertain significance (1 of 4 stars; one submission).

Allele frequency attached by ClinVar (database versions not stated): gnomAD exomes below 0.00001.

Submission:

Labcorp Genetics (formerly Invitae), Labcorp
Classification: Uncertain significance. Last evaluated: 2022-11-28. Review status: criteria provided, single submitter. Criteria: Invitae Variant Classification Sherloc (09022015). Collection method: clinical testing. Allele origin: germline.
Comment: This sequence change replaces aspartic acid, which is acidic and polar, with glutamic acid, which is acidic and polar, at codon 418 of the ORC1 protein (p.Asp418Glu). This variant is present in population databases (no rsID available, gnomAD 0.003%). This variant has not been reported in the literature in individuals affected with ORC1-related conditions. ClinVar contains an entry for this variant (Variation ID: 1494865). Advanced modeling of protein sequence and biophysical properties (such as structural, functional, and spatial information, amino acid conservation, physicochemical variation, residue mobility, and thermodynamic stability) performed at Invitae indicates that this missense variant is not expected to disrupt ORC1 protein function. In summary, the available evidence is currently insufficient to determine the role of this variant in disease. Therefore, it has been classified as a Variant of Uncertain Significance.

NM_004153.4(ORC1):c.1254C>A (p.Asp418Glu)

Gene: ORC1 (origin recognition complex subunit 1; minus strand). Cytogenetic location: 1p32.3.
Variant type: single nucleotide variant.
Coding change: c.1254C>A on transcript NM_004153.4 (MANE Select); coding-DNA position 1254, C replaced by A.
Protein change: p.Asp418Glu; replaces aspartic acid 418 with glutamic acid.
Molecular consequence: missense variant.
Genome position (GRCh38, 1-based): chr1:52,388,571, G>T on the plus strand (C>A on the coding strand, the complement: ORC1 is on the minus strand). VCF-style: chr1-52388571-G-T. GRCh37 (hg19) VCF-style: chr1-52854243-G-T.
Other names: c.1254C>A, p.Asp418Glu (NM_001190818.2, NM_001190819.2); short protein forms D418E.
Identifiers: ClinVar variation 1494865 (VCV001494865.6), dbSNP rs1267305503, ClinGen allele CA340357894.